The following is an entry in ClinVar:

ClinVar aggregate classification (germline): Uncertain significance (1 of 4 stars; one submission).

Allele frequency attached by ClinVar (database versions not stated): TOPMed below 0.00001.

Submission:

Mayo Clinic Laboratories, Mayo Clinic
Classification: Uncertain significance. Last evaluated: 2023-04-11. Review status: criteria provided, single submitter. Criteria: ACMG Guidelines, 2015. Collection method: clinical testing. Allele origin: germline. Observed: 1 variant allele.
Comment: BP4, PM2

NM_005866.4(SIGMAR1):c.626G>A (p.Gly209Asp)

Gene: SIGMAR1 (sigma non-opioid intracellular receptor 1; minus strand). Cytogenetic location: 9p13.3.
Variant type: single nucleotide variant.
Coding change: c.626G>A on transcript NM_005866.4 (MANE Select); coding-DNA position 626, G replaced by A.
Protein change: p.Gly209Asp; replaces glycine 209 with aspartic acid.
Molecular consequence: missense variant. On other transcripts: 3 prime UTR variant (2), non-coding transcript variant (1), intron variant (1).
Genome position (GRCh38, 1-based): chr9:34,635,678, C>T on the plus strand (G>A on the coding strand, the complement: SIGMAR1 is on the minus strand). VCF-style: chr9-34635678-C-T. GRCh37 (hg19) VCF-style: chr9-34635675-C-T.
Other names: p.Gly209Asp; c.326G>A, p.Gly109Asp (NM_001282206.2); c.566G>A, p.Gly189Asp (NM_001282207.2); c.*169G>A (NM_001282208.2); c.*153G>A (NM_001282209.2); c.533G>A, p.Gly178Asp (NM_147157.3); c.446-38G>A (NM_001282205.2); short protein forms G109D, G178D, G189D, G209D.
Identifiers: ClinVar variation 2683036 (VCV002683036.1), dbSNP rs1820823740, ClinGen allele CA373272106.